The following is an entry in ClinVar:

NM_000075.4(CDK4):c.434A>G (p.Asn145Ser)

Gene: CDK4 (cyclin dependent kinase 4; minus strand). Cytogenetic location: 12q14.1.
Variant type: single nucleotide variant.
Coding change: c.434A>G on transcript NM_000075.4 (MANE Select); coding-DNA position 434, A replaced by G.
Protein change: p.Asn145Ser; replaces asparagine 145 with serine.
Molecular consequence: missense variant.
Genome position (GRCh38, 1-based): chr12:57,751,011, T>C on the plus strand (A>G on the coding strand, the complement: CDK4 is on the minus strand). VCF-style: chr12-57751011-T-C. GRCh37 (hg19) VCF-style: chr12-58144794-T-C.
Other names: short protein forms N145S.
Identifiers: ClinVar variation 1739912 (VCV001739912.2), dbSNP rs2140386547, ClinGen allele CA385546536.

ClinVar aggregate classification (germline): Uncertain significance (1 of 4 stars; one submission).

Conditions:
Hereditary cancer-predisposing syndrome. Also called: Hereditary Cancer Syndrome; Hereditary neoplastic syndrome; Neoplastic Syndromes, Hereditary; Tumor predisposition. Identifiers: Orphanet 140162, MedGen C0027672, MeSH D009386, MONDO:0015356.

Submission:

Ambry Genetics
Classification: Uncertain significance for Hereditary cancer-predisposing syndrome. Last evaluated: 2021-07-22. Review status: criteria provided, single submitter. Criteria: Ambry Variant Classification Scheme 2023. Collection method: clinical testing. Allele origin: germline.
Comment: The p.N145S variant (also known as c.434A>G), located in coding exon 3 of the CDK4 gene, results from an A to G substitution at nucleotide position 434. The asparagine at codon 145 is replaced by serine, an amino acid with highly similar properties. This amino acid position is highly conserved in available vertebrate species. In addition, the in silico prediction for this alteration is inconclusive. Since supporting evidence is limited at this time, the clinical significance of this alteration remains unclear.